The following is an entry in ClinVar:

ClinVar aggregate classification (germline): Uncertain significance (1 of 4 stars; one submission).

Submission:

Labcorp Genetics (formerly Invitae), Labcorp
Classification: Uncertain significance. Last evaluated: 2024-06-27. Review status: criteria provided, single submitter. Criteria: Invitae Variant Classification Sherloc (09022015). Collection method: clinical testing. Allele origin: germline.
Comment: This sequence change replaces proline, which is neutral and non-polar, with arginine, which is basic and polar, at codon 675 of the COL7A1 protein (p.Pro675Arg). This variant is not present in population databases (gnomAD no frequency). This variant has not been reported in the literature in individuals affected with COL7A1-related conditions. Advanced modeling of protein sequence and biophysical properties (such as structural, functional, and spatial information, amino acid conservation, physicochemical variation, residue mobility, and thermodynamic stability) performed at Invitae indicates that this missense variant is not expected to disrupt COL7A1 protein function with a negative predictive value of 95%. In summary, the available evidence is currently insufficient to determine the role of this variant in disease. Therefore, it has been classified as a Variant of Uncertain Significance.

NM_000094.4(COL7A1):c.2024C>G (p.Pro675Arg)

Gene: COL7A1 (collagen type VII alpha 1 chain; minus strand). Cytogenetic location: 3p21.31.
Variant type: single nucleotide variant.
Coding change: c.2024C>G on transcript NM_000094.4 (MANE Select); coding-DNA position 2024, C replaced by G.
Protein change: p.Pro675Arg; replaces proline 675 with arginine.
Molecular consequence: missense variant.
Genome position (GRCh38, 1-based): chr3:48,590,239, G>C on the plus strand (C>G on the coding strand, the complement: COL7A1 is on the minus strand). VCF-style: chr3-48590239-G-C. GRCh37 (hg19) VCF-style: chr3-48627672-G-C.
Other names: short protein forms P675R.
Identifiers: ClinVar variation 3635685 (VCV003635685.2).